The following is an entry in ClinVar:

NM_004145.4(MYO9B):c.2141-5G>A

Gene: MYO9B (myosin IXB; plus strand). Cytogenetic location: 19p13.11.
Variant type: single nucleotide variant.
Coding change: c.2141-5G>A on transcript NM_004145.4 (MANE Select); 5 bases into the intron before coding-DNA position 2141, G replaced by A.
Molecular consequence: intron variant.
Genome position (GRCh38, 1-based): chr19:17,175,658, G>A. VCF-style: chr19-17175658-G-A. GRCh37 (hg19) VCF-style: chr19-17286467-G-A.
Other names: c.2141-5G>A (NM_001130065.2).
Identifiers: ClinVar variation 3046179 (VCV003046179.2), dbSNP rs199841902, ClinGen allele CA9287469.

ClinVar aggregate classification (germline): Likely benign (0 of 4 stars; one submission).

Conditions:
MYO9B-related disorder. Also called: MYO9B-related condition.

Allele frequency attached by ClinVar (database versions not stated): 1000 Genomes Project 0.00080; 1000 Genomes Project 30x 0.00094; ESP Exome Variant Server 0.00121.
gnomAD v4.1: 549 of 1,567,236 alleles (0.035%); highest among the groups gnomAD compares: African/African-American, 0.67%; 2 homozygotes.

Submission:

PreventionGenetics, part of Exact Sciences
Classification: Likely benign for MYO9B-related condition. Last evaluated: 2019-10-28. Review status: no assertion criteria provided. Collection method: clinical testing. Allele origin: germline.
Comment: This variant is classified as likely benign based on ACMG/AMP sequence variant interpretation guidelines (Richards et al. 2015 PMID: 25741868, with internal and published modifications).